The following is an entry in ClinVar:

NM_018341.3(ERMARD):c.1112A>G (p.His371Arg)

Gene: ERMARD (ER membrane associated RNA degradation; plus strand). Cytogenetic location: 6q27.
Variant type: single nucleotide variant.
Coding change: c.1112A>G on transcript NM_018341.3 (MANE Select); coding-DNA position 1112, A replaced by G.
Protein change: p.His371Arg; replaces histidine 371 with arginine.
Molecular consequence: missense variant.
Genome position (GRCh38, 1-based): chr6:169,769,592, A>G. VCF-style: chr6-169769592-A-G. GRCh37 (hg19) VCF-style: chr6-170169688-A-G.
Other names: c.1112A>G, p.His371Arg (NM_001278531.2, NM_001278533.2); c.734A>G, p.His245Arg (NM_001278532.2); short protein forms H371R, H245R.
Identifiers: ClinVar variation 385989 (VCV000385989.33), dbSNP rs61738268, ClinGen allele CA4106131.

ClinVar aggregate classification (germline): Benign. Review status: criteria provided, multiple submitters, no conflicts (2 of 4 stars). 3 submissions from 3 submitters: Benign (3). Last evaluated 2026-02-01.

Allele frequency attached by ClinVar (database versions not stated): TOPMed 0.00647; 1000 Genomes Project 0.00739; 1000 Genomes Project 30x 0.00750; gnomAD 0.00801 and 0.00821; ESP Exome Variant Server 0.00869; gnomAD exomes 0.00928 and 0.01101; ExAC 0.01200.
gnomAD v4.1: 14,920 of 1,612,868 alleles (0.93%); highest among the groups gnomAD compares: Middle Eastern, 1.8%; 102 homozygotes.

Submissions (3):

CeGaT Center for Human Genetics Tuebingen
Classification: Benign. Last evaluated: 2026-02-01. Review status: criteria provided, single submitter. Criteria: CeGaT Center For Human Genetics Tuebingen Variant Classification Criteria Version 2. Collection method: clinical testing. Allele origin: germline. Affected: yes. Observed: 15 variant alleles.
Comment: ERMARD: BP4, BS1, BS2

Labcorp Genetics (formerly Invitae), Labcorp
Classification: Benign. Last evaluated: 2026-01-17. Review status: criteria provided, single submitter. Criteria: Invitae Variant Classification Sherloc (09022015). Collection method: clinical testing. Allele origin: germline.

GeneDx
Classification: Benign. Last evaluated: 2016-10-07. Review status: criteria provided, single submitter. Criteria: GeneDx Variant Classification (06012015). Collection method: clinical testing. Allele origin: germline. Affected: yes.
Comment: This variant is considered likely benign or benign based on one or more of the following criteria: it is a conservative change, it occurs at a poorly conserved position in the protein, it is predicted to be benign by multiple in silico algorithms, and/or has population frequency not consistent with disease.